The following is an entry in ClinVar:

ClinVar aggregate classification (germline): Uncertain significance. Review status: criteria provided, multiple submitters, no conflicts (2 of 4 stars). 3 submissions from 3 submitters: Uncertain significance (3). Last evaluated 2025-06-20.

Conditions:
Multiple endocrine neoplasia, type 2 (MEN2). Identifiers: Orphanet 653, MedGen C4048306, MONDO:0019003. Disease mechanism: gain of function.
Hirschsprung disease, susceptibility to, 1 (HSCR1). Also called: RET-Related Hirschsprung Disease. Identifiers: Orphanet 388, MedGen C3888239, MONDO:0007723, OMIM 142623.

Allele frequency attached by ClinVar (database versions not stated): ExAC 0.00001.

Submissions (3):

Centre of Medical Genetics, University Hospital Muenster
Classification: Uncertain significance. Last evaluated: 2025-06-20. Review status: criteria provided, single submitter. Criteria: ACMG Guidelines, 2015. Collection method: clinical testing. Allele origin: unknown. Affected: yes. Observed: 1 variant allele, 1 heterozygote.
Comment: ACMG categories: PM2,PP3

Baylor Genetics
Classification: Uncertain significance for Hirschsprung disease, susceptibility to, 1. Last evaluated: 2024-03-08. Review status: criteria provided, single submitter. Criteria: ACMG Guidelines, 2015. Collection method: clinical testing. Allele origin: unknown.

Labcorp Genetics (formerly Invitae), Labcorp
Classification: Uncertain significance for Multiple endocrine neoplasia, type 2. Last evaluated: 2021-02-14. Review status: criteria provided, single submitter. Criteria: Invitae Variant Classification Sherloc (09022015). Collection method: clinical testing. Allele origin: germline.
Comment: In summary, the available evidence is currently insufficient to determine the role of this variant in disease. Therefore, it has been classified as a Variant of Uncertain Significance. This sequence change replaces alanine with threonine at codon 807 of the RET protein (p.Ala807Thr). The alanine residue is highly conserved and there is a small physicochemical difference between alanine and threonine. The frequency data for this variant in the population databases is considered unreliable, as metrics indicate poor data quality at this position in the ExAC database. This variant has not been reported in the literature in individuals with RET-related conditions. Algorithms developed to predict the effect of missense changes on protein structure and function are either unavailable or do not agree on the potential impact of this missense change (SIFT: "Deleterious"; PolyPhen-2: "Probably Damaging"; Align-GVGD: "Class C0").

NM_020975.6(RET):c.2419G>A (p.Ala807Thr)

Gene: RET (ret proto-oncogene; plus strand). Cytogenetic location: 10q11.21.
Variant type: single nucleotide variant.
Coding change: c.2419G>A on transcript NM_020975.6 (MANE Select); coding-DNA position 2419, G replaced by A.
Protein change: p.Ala807Thr; replaces alanine 807 with threonine.
Molecular consequence: missense variant.
Genome position (GRCh38, 1-based): chr10:43,119,557, G>A. VCF-style: chr10-43119557-G-A. GRCh37 (hg19) VCF-style: chr10-43615005-G-A.
Other names: c.2419G>A, p.Ala807Thr (NM_000323.2, NM_001406743.1, NM_001406744.1 and 4 more transcripts); c.1657G>A, p.Ala553Thr (NM_001355216.2); c.2290G>A, p.Ala764Thr (NM_001406761.1, NM_001406762.1, NM_001406764.1); c.2284G>A, p.Ala762Thr (NM_001406763.1, NM_001406765.1); c.2131G>A, p.Ala711Thr (NM_001406766.1, NM_001406767.1, NM_001406770.1); c.2155G>A, p.Ala719Thr (NM_001406768.1); c.2023G>A, p.Ala675Thr (NM_001406769.1, NM_001406772.1); c.1981G>A, p.Ala661Thr (NM_001406771.1, NM_001406773.1); and 10 more; short protein forms A807T, A553T, A412T, A468T, A711T, A719T, A324T, A508T.
Identifiers: ClinVar variation 1424992 (VCV001424992.10), dbSNP rs760012685, ClinGen allele CA039153.